The following is an entry in ClinVar:

NM_005051.3(QARS1):c.1699C>T (p.Arg567Ter)

Gene: QARS1 (glutaminyl-tRNA synthetase 1; minus strand). Cytogenetic location: 3p21.31.
Variant type: single nucleotide variant.
Coding change: c.1699C>T on transcript NM_005051.3 (MANE Select); coding-DNA position 1699, C replaced by T.
Protein change: p.Arg567Ter; replaces arginine 567 with a stop codon.
Molecular consequence: nonsense. On other transcripts: non-coding transcript variant (1).
Genome position (GRCh38, 1-based): chr3:49,099,169, G>A on the plus strand (C>T on the coding strand, the complement: QARS1 is on the minus strand). VCF-style: chr3-49099169-G-A. GRCh37 (hg19) VCF-style: chr3-49136602-G-A.
Other names: c.1666C>T, p.Arg556Ter (NM_001272073.2); short protein forms R567*, R556*.
Identifiers: ClinVar variation 860157 (VCV000860157.10), dbSNP rs141184565, ClinGen allele CA2391673.

ClinVar aggregate classification (germline): Pathogenic/Likely pathogenic. Review status: criteria provided, multiple submitters, no conflicts (2 of 4 stars). 2 submissions from 2 submitters: Pathogenic (1); Likely pathogenic (1). Last evaluated 2023-10-13.

Conditions:
Diffuse cerebral and cerebellar atrophy - intractable seizures - progressive microcephaly syndrome. Also called: Microcephaly, progressive, with seizures and cerebral and cerebellar atrophy. Identifiers: Orphanet 404437, MedGen C4014239, MONDO:0014335, OMIM 615760.

Allele frequency attached by ClinVar (database versions not stated): TOPMed below 0.00001; gnomAD 0.00001; gnomAD exomes 0.00001.
gnomAD v4.1: 9 of 1,614,030 alleles (0.00056%); highest among the groups gnomAD compares: East Asian, 0.0045%; no homozygotes.

Submissions (2):

Labcorp Genetics (formerly Invitae), Labcorp
Classification: Pathogenic for Diffuse cerebral and cerebellar atrophy - intractable seizures - progressive microcephaly syndrome. Last evaluated: 2023-10-13. Review status: criteria provided, single submitter. Criteria: Invitae Variant Classification Sherloc (09022015). Collection method: clinical testing. Allele origin: germline.
Comment: This sequence change creates a premature translational stop signal (p.Arg567*) in the QARS gene. It is expected to result in an absent or disrupted protein product. Loss-of-function variants in QARS are known to be pathogenic (PMID: 24656866, 25471517). This variant is present in population databases (rs141184565, gnomAD 0.002%). This variant has not been reported in the literature in individuals affected with QARS-related conditions. ClinVar contains an entry for this variant (Variation ID: 860157). For these reasons, this variant has been classified as Pathogenic.

Juno Genomics, Hangzhou Juno Genomics, Inc
Classification: Likely pathogenic for Diffuse cerebral and cerebellar atrophy - intractable seizures - progressive microcephaly syndrome. Review status: criteria provided, single submitter. Criteria: ACMG Guidelines, 2015. Collection method: clinical testing. Allele origin: germline.
Comment: Null variant in a gene where loss of function (LOF) is a known mechanism of disease.;Absent from controls (or at extremely low frequency if recessive) in Genome Aggregation Database.

Literature cited by the submitters: PubMed 24656866 (cited by Labcorp Genetics (formerly Invitae), Labcorp); PubMed 25471517 (cited by Labcorp Genetics (formerly Invitae), Labcorp).